The following is an entry in ClinVar:

ClinVar aggregate classification (germline): Pathogenic/Likely pathogenic. Review status: criteria provided, multiple submitters, no conflicts (2 of 4 stars). 16 submissions from 16 submitters: Pathogenic (7); Likely pathogenic (7). 2 of the submissions do not count toward it. Last evaluated 2025-08-29.

Conditions:
TSC2-related disorder. Also called: TSC2-related condition; TSC2-Related Disorders.
Hereditary cancer-predisposing syndrome. Also called: Tumor predisposition; Neoplastic Syndromes, Hereditary; Hereditary neoplastic syndrome; Hereditary Cancer Syndrome. Identifiers: Orphanet 140162, MedGen C0027672, MeSH D009386, MONDO:0015356.
Tuberous sclerosis syndrome (TSC). Also called: Tuberous Sclerosis Complex; Tuberous sclerosis. Identifiers: Orphanet 805, MedGen C0041341, MONDO:0001734.
Tuberous sclerosis 2 (TSC2). Identifiers: Orphanet 805, MedGen C1860707, MONDO:0013199, OMIM 613254.

Allele frequency attached by ClinVar (database versions not stated): TOPMed below 0.00001.
gnomAD v4.1: 2 of 1,613,620 alleles (0.00012%); highest among the groups gnomAD compares: Non-Finnish European, 0.00017%; no homozygotes.

Submissions 1 to 5 of 16:

Labcorp Genetics (formerly Invitae), Labcorp
Classification: Pathogenic for Tuberous sclerosis 2. Last evaluated: 2025-08-29. Review status: criteria provided, single submitter. Criteria: Invitae Variant Classification Sherloc (09022015). Collection method: clinical testing. Allele origin: germline.
Comment: This sequence change replaces arginine, which is basic and polar, with tryptophan, which is neutral and slightly polar, at codon 622 of the TSC2 protein (p.Arg622Trp). This variant is not present in population databases (gnomAD no frequency). This missense change has been observed in individuals with clinical features of tuberous sclerosis complex (PMID: 21520333, 21846442, 22867869, 28211972). It has also been observed to segregate with disease in related individuals. Invitae Evidence Modeling of clinical and family history, age, sex, and reported ancestry of multiple individuals with this TSC2 variant has been performed. This variant is expected to be pathogenic with a positive predictive value of at least 99%. This is a validated machine learning model that incorporates the clinical features of 1,224,362 individuals referred to our laboratory for TSC2 testing. ClinVar contains an entry for this variant (Variation ID: 64889). Invitae Evidence Modeling of protein sequence and biophysical properties (such as structural, functional, and spatial information, amino acid conservation, physicochemical variation, residue mobility, and thermodynamic stability) has been performed for this missense variant. However, the output from this modeling did not meet the statistical confidence thresholds required to predict the impact of this variant on TSC2 protein function. Experimental studies have shown that this missense change affects TSC2 function (PMID: 20633017, 21309039). This variant disrupts the p.Arg622 amino acid residue in TSC2. Other variant(s) that disrupt this residue have been observed in individuals with TSC2-related conditions (PMID: 29476190), which suggests that this may be a clinically significant amino acid residue. For these reasons, this variant has been classified as Pathogenic.

GeneDx
Classification: Likely pathogenic. Last evaluated: 2025-06-23. Review status: criteria provided, single submitter. Criteria: GeneDx Variant Classification Process June 2021. Collection method: clinical testing. Allele origin: germline. Affected: yes.
Comment: Variant has been observed in individuals with some features of TSC including cardiac rhabdomyomas, cortical tubers, epilepsy, and renal cysts but did not fulfill TSC clinical diagnostic criteria, and in unaffected and mildly affected relatives in the published literature and at GeneDx; this suggests this variant may be associated with reduced penetrance and/or a milder TSC phenotype (PMID: 31005478, 21846442, 31031587, 36527179, 36232477); Reported previously in patients with TSC, however no further clinical details were provided (PMID: 21309039, 22867869, 29101226); Published functional studies indicate p.(R622W) destabilizes the TSC2 protein (PMID: 20633017, 21309039); Not observed at significant frequency in large population cohorts (gnomAD); In silico analysis supports that this missense variant has a deleterious effect on protein structure/function; This variant is associated with the following publications: (PMID: 34800434, 20633017, 21309039, 31031587, 33011641, 22867869, 28211972, 15798777, 29101226, 21846442, 33327995, 36527179, 34740132, 36232477, 37311496, 31005478, 37740860)

3billion
Classification: Pathogenic for Tuberous sclerosis 2. Last evaluated: 2025-03-18. Review status: criteria provided, single submitter. Criteria: ACMG Guidelines, 2015. Collection method: clinical testing. Allele origin: germline. Affected: yes.
Comment: The variant is observed at an extremely low frequency in the gnomAD v4.1.0 dataset (total allele frequency: <0.001%). Predicted Consequence/Location:Missense variant. The majority of the known disease-causing variants of this gene are variants expected to result in premature termination of the protein. Functional studies provide strong evidence of the variant having a damaging effect on the gene or gene product (PMID: 20633017, 21309039). In silico tool predictions suggest damaging effect of the variant on gene or gene product [REVEL: 0.91 (>=0.6, sensitivity 0.68 and specificity 0.92); 3Cnet: 0.91 (> 0.75, sensitivity 0.96 and precision 0.92)]. The same nucleotide change resulting in the same amino acid change has been previously reported as pathogenic/likely pathogenic with strong evidence (ClinVar ID: VCV000064889 / PMID: 21309039). The variant has been observed in at least two similarly affected unrelated individuals (PMID: 21846442, 28211972). The variant has been reported to co-segregate with the disease in at least 3 similarly affected relatives/individuals in the same family or similarly affected unrelated families (PMID: 21846442, 28211972). Therefore, this variant is classified as Pathogenic according to the recommendation of ACMG/AMP guideline.

Dasa
Classification: Likely pathogenic for Tuberous sclerosis 2. Last evaluated: 2025-03-18. Review status: criteria provided, single submitter. Criteria: DASA Assertion Criteria. Collection method: clinical testing. Allele origin: germline.
Comment: NM_000548.5(TSC2):c.1864C>T (p.Arg622Trp) is a missense variant that results in the substitution of arginine with tryptophan. This variant has been reported in individuals with Tuberous sclerosis 2 (PMID: 28211972). Segregation data support an association with disease in the reported family/families (PMID: 28211972). Functional evidence supports an impact on the gene or gene product. Also, this variant is absent from population databases. Computational evidence supports a deleterious effect. Based on the currently available evidence, this variant is classified as likely pathogenic.

ARUP Laboratories, Molecular Genetics and Genomics, ARUP Laboratories
Classification: Pathogenic. Last evaluated: 2024-09-04. Review status: criteria provided, single submitter. Criteria: ARUP Molecular Germline Variant Investigation Process 2024. Collection method: clinical testing. Allele origin: germline.
Comment: The TSC2 c.1864C>T; p.Arg622Trp variant (rs397514914; ClinVar Variation ID: 64889) is reported in the literature in multiple individuals with tuberous sclerosis complex (Farach 2017, Hoogeveen-Westerveld 2011, Togi 2022). In one family, the variant has been shown to segregate with disease but with reduced penetrance/mild manifestations described (Farach 2017). This variant is absent from the Genome Aggregation Database (v2.1.1), indicating it is not a common polymorphism. Computational analyses predict that this variant is deleterious (REVEL: 0.909). In support of these predictions, functional studies have shown that the variant has defective TSC1 binding and stabilization and increased S6K phosphorylation (Hoogeveen-Westerveld 2011, Qin 2010). Based on available information, this variant is considered to be pathogenic. References: Farach LS et al. TSC2 c.1864C>T variant associated with mild cases of tuberous sclerosis complex. Am J Med Genet A. 2017 Mar;173(3):771-775. PMID: 28211972. Hoogeveen-Westerveld M et al. Functional assessment of variants in the TSC1 and TSC2 genes identified in individuals with Tuberous Sclerosis Complex. Hum Mutat. 2011 Apr;32(4):424-35. PMID: 21309039. Togi S et al. Genotype and Phenotype Landscape of 283 Japanese Patients with Tuberous Sclerosis Complex. Int J Mol Sci. 2022 Sep 22;23(19):11175. PMID: 36232477. Qin W et al. Analysis of TSC cortical tubers by deep sequencing of TSC1, TSC2 and KRAS demonstrates that small second-hit mutations in these genes are rare events. Brain Pathol. 2010 Nov;20(6):1096-105. PMID: 20633017.

NM_000548.5(TSC2):c.1864C>T (p.Arg622Trp)

Gene: TSC2 (TSC complex subunit 2; plus strand). Cytogenetic location: 16p13.3.
Variant type: single nucleotide variant.
Coding change: c.1864C>T on transcript NM_000548.5 (MANE Select); coding-DNA position 1864, C replaced by T.
Protein change: p.Arg622Trp; replaces arginine 622 with tryptophan.
Molecular consequence: missense variant.
Genome position (GRCh38, 1-based): chr16:2,071,534, C>T. VCF-style: chr16-2071534-C-T. GRCh37 (hg19) VCF-style: chr16-2121535-C-T.
Other names: c.1864C>T, p.Arg622Trp (NM_001077183.3, NM_001114382.3, NM_001363528.2 and 3 more transcripts); c.1753C>T, p.Arg585Trp (NM_001318827.2); c.1717C>T, p.Arg573Trp (NM_001318829.2); c.1264C>T, p.Arg422Trp (NM_001318831.2); c.1897C>T, p.Arg633Trp (NM_001318832.2); c.1864C>T (NM_000548.4); short protein forms R622W, R422W, R573W, R633W, R585W.
Identifiers: ClinVar variation 64889 (VCV000064889.37), dbSNP rs397514914, ClinGen allele CA016088.
Genomic context (GRCh38, chr16:2,071,534, plus strand): 5'-GCTTGGCTCTGGCTTTCACCATCCTCTTCCTGACAGGCCTTTGACTTCCTGTTGCTGCTG[C>T]GGGCCGACTCACTGCACCGCCTGGGCCTGCCCAACAAGGATGGAGTCGTGCGGTTCAGCC-3'
Protein context (NP_000539.2, residues 612-632): LQAFDFLLLL[Arg622Trp]ADSLHRLGLP